The following is an entry in ClinVar:

NM_007294.4(BRCA1):c.2864C>A (p.Ser955Ter)

Gene: BRCA1 (BRCA1 DNA repair associated; minus strand). Cytogenetic location: 17q21.31.
Variant type: single nucleotide variant.
Coding change: c.2864C>A on transcript NM_007294.4 (MANE Select); coding-DNA position 2864, C replaced by A.
Protein change: p.Ser955Ter; replaces serine 955 with a stop codon.
Molecular consequence: nonsense. On other transcripts: intron variant (137).
Genome position (GRCh38, 1-based): chr17:43,092,667, G>T on the plus strand (C>A on the coding strand, the complement: BRCA1 is on the minus strand). VCF-style: chr17-43092667-G-T. GRCh37 (hg19) VCF-style: chr17-41244684-G-T.
Other names: 2983C>A; c.2531C>A, p.Ser844Ter (NM_001407953.1, NM_001407957.1, NM_001407946.1 and 6 more transcripts); c.2528C>A, p.Ser843Ter (NM_001407954.1, NM_001407955.1, NM_001407956.1 and 1 more transcripts); c.2483C>A, p.Ser828Ter (NM_001407959.1, NM_001407960.1, NM_001407963.1); c.2480C>A, p.Ser827Ter (NM_001407962.1); c.2720C>A, p.Ser907Ter (NM_001407964.1, NM_001407740.1, NM_001407741.1 and 20 more transcripts); c.2360C>A, p.Ser787Ter (NM_001407965.1); c.1976C>A, p.Ser659Ter (NM_001407966.1, NM_001407967.1); and 42 more; short protein forms S955*, S908*, S827*, S866*, S884*, S787*, S844*, S907*.
Identifiers: ClinVar variation 54701 (VCV000054701.31), dbSNP rs80357295, ClinGen allele CA001866.

ClinVar aggregate classification (germline): Pathogenic. Review status: reviewed by expert panel (3 of 4 stars). 16 submissions from 16 submitters: Pathogenic (1). 15 of the submissions do not count toward it. Last evaluated 2016-09-08.

Conditions:
Hereditary cancer-predisposing syndrome. Also called: Tumor predisposition; Neoplastic Syndromes, Hereditary; Hereditary Cancer Syndrome; Hereditary neoplastic syndrome. Identifiers: Orphanet 140162, MedGen C0027672, MeSH D009386, MONDO:0015356.
Hereditary breast ovarian cancer syndrome. Also called: Hereditary breast and ovarian cancer syndrome (HBOC); Hereditary breast and ovarian cancer syndrome; Hereditary breast and ovarian cancer; Hereditary breast and/or ovarian cancer syndrome; Breast and ovarian cancer; BRCA1- and BRCA2-Associated Hereditary Breast and Ovarian Cancer. Identifiers: Orphanet 145, MedGen C0677776, MeSH D061325, MONDO:0003582. Disease mechanism: loss of function.
Breast-ovarian cancer, familial, susceptibility to, 1 (BROVCA1). Also called: OVARIAN CANCER, SUSCEPTIBILITY TO; BRCA1 Hereditary Breast and Ovarian Cancer. Identifiers: Orphanet 145, MedGen C2676676, MONDO:0011450, OMIM 604370. Disease mechanism: loss of function.

Allele frequency attached by ClinVar (database versions not stated): gnomAD exomes below 0.00001.
gnomAD v4.1: 2 of 1,614,062 alleles (0.00012%); highest among the groups gnomAD compares: African/African-American, 0.0013%; no homozygotes.

Submissions 1 to 8 of 16:

Evidence-based Network for the Interpretation of Germline Mutant Alleles (ENIGMA)
Classification: Pathogenic for Breast-ovarian cancer, familial, susceptibility to, 1. Last evaluated: 2016-09-08. Review status: reviewed by expert panel. Criteria: ENIGMA BRCA1/2 Classification Criteria (2015). Collection method: curation. Allele origin: germline.
Comment: Variant allele predicted to encode a truncated non-functional protein.

Labcorp Genetics (formerly Invitae), Labcorp
Classification: Pathogenic for Hereditary breast ovarian cancer syndrome. Last evaluated: 2025-11-14. Review status: criteria provided, single submitter. Criteria: Invitae Variant Classification Sherloc (09022015). Collection method: clinical testing. Allele origin: germline. Not counted in ClinVar's aggregate classification.
Comment: This sequence change creates a premature translational stop signal (p.Ser955*) in the BRCA1 gene. It is expected to result in an absent or disrupted protein product. Loss-of-function variants in BRCA1 are known to be pathogenic (PMID: 20104584). This variant is not present in population databases (gnomAD no frequency). This premature translational stop signal has been observed in individual(s) with personal or family history of breast and/or ovarian cancer (PMID: 16030099, 19805903, 20104584, 26187060, 29339979, 29446198). This variant is also known as 2983C>A. ClinVar contains an entry for this variant (Variation ID: 54701). For these reasons, this variant has been classified as Pathogenic.

Ambry Genetics
Classification: Pathogenic for Hereditary cancer-predisposing syndrome. Last evaluated: 2025-05-22. Review status: criteria provided, single submitter. Criteria: Ambry Variant Classification Scheme 2023. Collection method: clinical testing. Allele origin: germline. Not counted in ClinVar's aggregate classification.
Comment: The p.S955* pathogenic mutation (also known as c.2864C>A), located in coding exon 9 of the BRCA1 gene, results from a C to A substitution at nucleotide position 2864. This changes the amino acid from a serine to a stop codon within coding exon 9. This alteration has been identified in numerous breast/ovarian cohorts from North American, European, Hispanic, African, and Indian families (Weitzel JN et al. Cancer Epidemiol Biomarkers Prev. 2005;14(7):1666-71; Vogel KJ et al. J. Clin. Oncol., 2007 Oct;25:4635-41; Vaidyanathan, K et al. J Biosci. 2009 Sep;34(3):415-22; Borg A et al. Hum. Mutat., 2010 Mar;31:E1200-40; Kwong A et al. J Med Genet, 2016 Jan;53:15-23; Heramb C et al. Hered Cancer Clin Pract, 2018 Jan;16:3; Rebbeck TR et al. Hum. Mutat., 2018 May;39:593-620; Ryu JM et al. Breast Cancer Res Treat, 2019 Jan;173:385-395). Of note, this alteration is also designated as 2983C>A in the published literature. This variant is considered to be rare based on population cohorts in the Genome Aggregation Database (gnomAD). This alteration is expected to result in loss of function by premature protein truncation or nonsense-mediated mRNA decay. As such, this alteration is interpreted as a disease-causing mutation.

Molecular Diagnostics Laboratory, Catalan Institute of Oncology
Classification: Pathogenic for Hereditary cancer-predisposing syndrome. Last evaluated: 2025-04-22. Review status: criteria provided, single submitter. Criteria: ClinGen BRCA1BRCA2 ACMG Specifications BRCA1 V1.0.0. Collection method: clinical testing. Allele origin: germline. Not counted in ClinVar's aggregate classification.
Comment: PVS1, PM2_Supporting, PM5_PTC_Strong c.2864C>A, located in exon 10 (11 according BIC nomenclature) of the BRCA1 gene, is a nonsense variant expected to result in loss of function by premature protein truncation and nonsense-mediated mRNA decay, p.(Ser955Ter) (PVS1, PM5_PTC_Strong). No effect is predicted on splicing by SpliceAI. It is not present in the population database gnomAD v2.1.1, non cancer dataset (PM2_supporting). To our knowledge, neither relevant clinical data nor well-stablished functional studies have been reported for this variant. In addition, it was also identified in the following databases: BRCA Exchange (Pathogenic: Variant allele predicted to encode a truncated non-functional protein), ClinVar (15x pathogenic) and LOVD (7x pathogenic). Based on the currently available information, c.2864C>A is classified as a pathogenic variant according to ClinGen-BRCA1 Guidelines version v1.0.0.

GeneDx
Classification: Pathogenic. Last evaluated: 2024-02-21. Review status: criteria provided, single submitter. Criteria: GeneDx Variant Classification Process June 2021. Collection method: clinical testing. Allele origin: germline. Affected: yes. Not counted in ClinVar's aggregate classification.
Comment: Nonsense variant predicted to result in protein truncation or nonsense mediated decay in a gene for which loss-of-function is a known mechanism of disease; Observed in multiple individuals with personal and/or family history of breast and/or ovarian cancer and has been reported as a recurrent pathogenic variant in the Hispanic population (PMID: 16030099, 17925560, 18465347, 19805903, 20104584, 22034289); Not observed in large population cohorts (gnomAD); Truncating variants in this gene are considered pathogenic by a well-established clinical consortium and/or database; Also known as 2983C>A; This variant is associated with the following publications: (PMID: 26187060, 24312913, 18465347, 25525159, 27286788, 20104584, 26564481, 19805903, 21913181, 25371446, 16030099, 23233716, 22034289, 17925560, 29339979, 29446198, 30130155, 35892882, 37310942, 31209999, 34981296, 30350268)

All of Us Research Program, National Institutes of Health
Classification: Pathogenic for Breast-ovarian cancer, familial, susceptibility to, 1. Last evaluated: 2023-07-19. Review status: criteria provided, single submitter. Criteria: ACMG Guidelines, 2015. Collection method: clinical testing. Allele origin: germline. Inheritance: Autosomal dominant inheritance. Observed: 1 variant allele, 1 heterozygote. Not counted in ClinVar's aggregate classification.
Comment: This variant changes 1 nucleotide in exon 10 of the BRCA1 gene, creating a premature translation stop signal. This variant is expected to result in an absent or non-functional protein product. This variant has been reported in several individuals affected with breast cancer (PMID: 17925560, 19805903, 20104584, 21614564, 22034289, 30350268) and in other suspected hereditary breast and ovarian cancer families (PMID: 16030099, 18465347, 23233716, 29446198, 31209999). This variant has not been identified in the general population by the Genome Aggregation Database (gnomAD). Loss of BRCA1 function is a known mechanism of disease. Based on the available evidence, this variant is classified as Pathogenic.

This study involves interpretation of variants in research participants for the purpose of population health screening. Participant phenotype was not available at the time of variant classification. Additional details can be found in publication PMID: 35346344, PMCID: PMC8962531

Color Diagnostics, LLC DBA Color Health
Classification: Pathogenic for Hereditary cancer-predisposing syndrome. Last evaluated: 2023-04-27. Review status: criteria provided, single submitter. Criteria: ACMG Guidelines, 2015. Collection method: clinical testing. Allele origin: germline. Not counted in ClinVar's aggregate classification.
Comment: This variant changes 1 nucleotide in exon 10 of the BRCA1 gene, creating a premature translation stop signal. This variant is expected to result in an absent or non-functional protein product. This variant has been reported in several individuals affected with breast cancer (PMID: 17925560, 19805903, 20104584, 21614564, 22034289, 30350268) and in other suspected hereditary breast and ovarian cancer families (PMID: 16030099, 18465347, 23233716, 29446198, 31209999). This variant has not been identified in the general population by the Genome Aggregation Database (gnomAD). Loss of BRCA1 function is a known mechanism of disease. Based on the available evidence, this variant is classified as Pathogenic.

Quest Diagnostics Nichols Institute San Juan Capistrano
Classification: Pathogenic. Last evaluated: 2021-10-06. Review status: criteria provided, single submitter. Criteria: Quest Diagnostics criteria. Collection method: clinical testing. Allele origin: unknown. Not counted in ClinVar's aggregate classification.
Comment: This nonsense variant causes the premature termination of BRCA1 protein synthesis. This variant has not been reported in large, multi-ethnic general populations. In the published literature, the variant has been reported in individuals/families with breast and/or ovarian cancer in the published literature (PMIDs: 29446198 (2018), 19805903 (2009), 17925560 (2007), 16030099 (2005)). Based on the available information, this variant is classified as pathogenic.